The following is an entry in ClinVar:

NM_005245.4(FAT1):c.680G>A (p.Arg227His)

Gene: FAT1 (FAT atypical cadherin 1; minus strand). Cytogenetic location: 4q35.2.
Variant type: single nucleotide variant.
Coding change: c.680G>A on transcript NM_005245.4 (MANE Select); coding-DNA position 680, G replaced by A.
Protein change: p.Arg227His; replaces arginine 227 with histidine.
Molecular consequence: missense variant.
Genome position (GRCh38, 1-based): chr4:186,709,148, C>T on the plus strand (G>A on the coding strand, the complement: FAT1 is on the minus strand). VCF-style: chr4-186709148-C-T. GRCh37 (hg19) VCF-style: chr4-187630302-C-T.
Other names: c.680G>A (NM_005245.3); short protein forms R227H.
Identifiers: ClinVar variation 2413674 (VCV002413674.6), dbSNP rs376051210, ClinGen allele CA3167618.
Genomic context (GRCh38, chr4:186,709,148, plus strand): 5'-ATGTGCACCGTTAGCTTGGCCATGCTGCTGATGCCACTGCTCCCATACAACTTCATGCCA[C>T]GGTCCGCAGCGAGGATTTCCATCTCATAGAGCTTGGTCTCTAGGTAATCAAGTCTACCAG-3'
Protein context (NP_005236.2, residues 217-237): LYEMEILAAD[Arg227His]GMKLYGSSGI

ClinVar aggregate classification (germline): Uncertain significance. Review status: criteria provided, multiple submitters, no conflicts (2 of 4 stars). 2 submissions from 2 submitters: Uncertain significance (2). Last evaluated 2025-05-07.

Conditions:
Inborn genetic diseases. Identifiers: MedGen C0950123, MeSH D030342.

Allele frequency attached by ClinVar (database versions not stated): TOPMed 0.00005; ESP Exome Variant Server 0.00008; ExAC 0.00002; gnomAD exomes 0.00004; gnomAD 0.00008.
gnomAD v4.1: 70 of 1,613,858 alleles (0.0043%); highest among the groups gnomAD compares: Admixed American, 0.015%; no homozygotes.

Submissions (2):

Ambry Genetics
Classification: Uncertain significance for Inborn genetic diseases. Last evaluated: 2025-05-07. Review status: criteria provided, single submitter. Criteria: Ambry Variant Classification Scheme 2023. Collection method: clinical testing. Allele origin: germline.

Labcorp Genetics (formerly Invitae), Labcorp
Classification: Uncertain significance. Last evaluated: 2022-03-15. Review status: criteria provided, single submitter. Criteria: Invitae Variant Classification Sherloc (09022015). Collection method: clinical testing. Allele origin: germline.
Comment: Algorithms developed to predict the effect of missense changes on protein structure and function (SIFT, PolyPhen-2, Align-GVGD) all suggest that this variant is likely to be disruptive. This sequence change replaces arginine, which is basic and polar, with histidine, which is basic and polar, at codon 227 of the FAT1 protein (p.Arg227His). This variant is present in population databases (rs376051210, gnomAD 0.02%). This variant has not been reported in the literature in individuals affected with FAT1-related conditions. In summary, the available evidence is currently insufficient to determine the role of this variant in disease. Therefore, it has been classified as a Variant of Uncertain Significance.